The following is an entry in ClinVar:

NM_025114.4(CEP290):c.515del (p.Lys172fs)

Gene: CEP290 (centrosomal protein 290; minus strand). Cytogenetic location: 12q21.32.
Variant type: Deletion.
Coding change: c.515del on transcript NM_025114.4 (MANE Select); coding-DNA position 515, one base deleted (A; older notation c.515delA).
Protein change: p.Lys172fs; shifts the reading frame from lysine 172.
Molecular consequence: frameshift variant.
Genome position (GRCh38, 1-based): chr12:88,130,546, T deleted on the plus strand (A on the coding strand, the reverse complement: CEP290 is on the minus strand); the first of 5 consecutive T bases (chr12:88,130,546-88,130,550); deleting any one gives the same sequence. VCF-style (leftmost placement, unchanged base first): chr12-88130545-CT-C. GRCh37 (hg19) VCF-style: chr12-88524322-CT-C.
Other names: short protein forms K172fs.
Identifiers: ClinVar variation 5001313 (VCV005001313.1).

ClinVar aggregate classification (germline): Likely pathogenic (1 of 4 stars; one submission).

Conditions:
CEP290-related disorder. Also called: CEP290-related condition; CEP290-related disorders. Identifiers: MedGen CN239314.

Submission:

PreventionGenetics, part of Exact Sciences
Classification: Likely pathogenic for CEP290-related condition. Last evaluated: 2024-10-10. Review status: criteria provided, single submitter. Criteria: ACMG Guidelines, 2015. Collection method: clinical testing. Allele origin: germline.
Comment: The CEP290 c.515delA variant is predicted to result in a frameshift and premature protein termination (p.Lys172Argfs*16). To our knowledge, this variant has not been reported in the literature or in a large population database (gnomAD), indicating this variant is rare. Frameshift variants in CEP290 are expected to be pathogenic. This variant is interpreted as likely pathogenic.